The following is an entry in ClinVar:

NM_006206.6(PDGFRA):c.938_939delinsTG (p.Gly313Val)

Gene: PDGFRA (platelet derived growth factor receptor alpha; plus strand). Cytogenetic location: 4q12.
Variant type: Indel.
Coding change: c.938_939delinsTG on transcript NM_006206.6 (MANE Select); coding-DNA positions 938 to 939, GT replaced by TG.
Protein change: p.Gly313Val; replaces glycine 313 with valine.
Molecular consequence: missense variant.
Genome position (GRCh38, 1-based): chr4:54,267,558-54,267,559, GT replaced by TG. VCF-style: chr4-54267558-GT-TG. GRCh37 (hg19) VCF-style: chr4-55133725-GT-TG.
Other names: c.1013_1014delinsTG, p.Gly338Val (NM_001347828.2); c.938_939delinsTG, p.Gly313Val (NM_001347829.2, NM_001347827.2); c.977_978delinsTG, p.Gly326Val (NM_001347830.2); short protein forms G313V, G326V, G338V.
Identifiers: ClinVar variation 4530331 (VCV004530331.1).

ClinVar aggregate classification (somatic clinical impact): Tier I - Strong (1 of 4 stars; one submission).

Conditions:
Diffuse glioma, H3 G34 mutant. Identifiers: MedGen CN377580, MONDO:0957197.

Submission:

Institute for Genomic Medicine (IGM) Clinical Laboratory, Nationwide Children's Hospital
Classification: Tier I - Strong for Diffuse glioma, H3 G34 mutant. Assertion type: diagnostic. Clinical significance: supports diagnosis. Last evaluated: 2023-09-11. Review status: criteria provided, single submitter. Criteria: AMP/ASCO/CAP Guidelines, 2017. Collection method: clinical testing. Allele origin: somatic. Affected: yes.
Comment: Variant has Tier I (strong) clinical significance as a diagnostic inclusion criterion in diffuse glioma, H3 G34 mutant, based on the following evidence: 1) Documented in one or more cancer databases (e.g., St. Jude Pecan, COSMIC, CIViC, OncoKB). 2) Diagnostic for a specific tumor type/classification based on well-powered studies with expert-level consensus (Evidence Level B; PMIDs: 23970477, 24705251, 25230881, 28966033, 29763623, 24705250, 33259802, 35195909).

Literature cited by the submitters: PubMed 23970477; PubMed 24705251; PubMed 25230881; PubMed 28966033; PubMed 29763623; PubMed 24705250; PubMed 33259802; PubMed 35195909.